The following continues an entry in ClinVar:

NM_001126108.2(SLC12A3):c.2221G>A (p.Gly741Arg)

Gene: SLC12A3. ClinVar aggregate classification (germline): Pathogenic/Likely pathogenic. Pathogenic (26); Likely pathogenic (1).

Submissions 12 to 31 of 31:

Clinical Genetics Laboratory, Skane University Hospital Lund
Classification: Pathogenic. Last evaluated: 2023-05-15. Review status: criteria provided, single submitter. Criteria: ACMG Guidelines, 2015. Collection method: clinical testing. Allele origin: germline. Affected: yes.

Genetics and Molecular Pathology, SA Pathology
Classification: Pathogenic for Familial hypokalemia-hypomagnesemia. Last evaluated: 2022-12-20. Review status: criteria provided, single submitter. Criteria: ACMG Guidelines, 2015. Collection method: clinical testing. Allele origin: germline. Inheritance: Autosomal recessive inheritance. Affected: yes.
Comment: The SLC12A3 c.2221G>A variant is classified as Pathogenic (PS3, PM3_strong2, PP3) The SLC12A3 c.2221G>A variant is a single nucleotide change in exon 18/26 of the SLC12A3 gene, which is predicted to change the amino acid glycine at position 741 in the protein to arginine. Functional studies show that the variant results in a non-functional protein (PMID:12039972)(PS3). This variant has been detected in trans with pathogenic variants for this recessive condition (PMID:17329572) (PM3_strong). Computational predictions support a deleterious effect on the gene or gene product (PP3). The variant has been reported in dbSNP (rs138977195), in population databases (gnomAD 62/151816, 0 homs, highest freq 0.079% non-Finnish European) and as disease causing in the HGMD database (CM961300). It has been reported as Conflicting interpretations of pathogenicity by other diagnostic laboratories (ClinVar Variation ID: 208612). The variant has been widely reported in the literature in patients with Gitelman syndrome and has been described as a hotspot mutation (PMID:8528245, 12039972, 17329572, 21415153, 22009145).

European Hospital Georges Pompidou Genetics Department, Assistance Publique - Hôpitaux de Paris AP-HP
Classification: Pathogenic for Familial hypokalemia-hypomagnesemia. Last evaluated: 2022-04-27. Review status: criteria provided, single submitter. Criteria: ACMG Guidelines, 2015. Collection method: clinical testing. Allele origin: germline. Affected: yes.
Comment: ACMG criteria used:PS3 PS4 PM1 PM2 PM3 PP3 PP5

Greenwood Genetic Center Diagnostic Laboratories, Greenwood Genetic Center
Classification: Pathogenic for Familial hypokalemia-hypomagnesemia. Last evaluated: 2022-03-24. Review status: criteria provided, single submitter. Criteria: ACMG Guidelines, 2015. Collection method: clinical testing. Allele origin: germline. Affected: yes.
Comment: PS3, PM2, PM3_Strong, PP3

Dasa
Classification: Likely pathogenic for Familial hypokalemia-hypomagnesemia. Last evaluated: 2022-02-05. Review status: criteria provided, single submitter. Criteria: ACMG Guidelines, 2015. Collection method: clinical testing. Allele origin: germline. Affected: yes. Observed: 1 variant allele.
Comment: The c.2221G>A;p.(Gly741Arg) missense variant has been observed in affected individual(s) and ClinVar contains an entry for this variant (ClinVar ID: 208612; PMID: 18391953; 17329572; 21415153; 22009145; 23328711; 8528245) - PS4. The variant is present at low allele frequencies population databases (rs138977195 – gnomAD 0.0004084%; ABraOM no frequency) - PM2_supporting. The variant co-segregated with disease in multiple affected family members (PMID: 8528245) - PP1. In summary, the currently available evidence indicates that the variant is likely pathogenic.

GeneDx
Classification: Pathogenic. Last evaluated: 2022-01-06. Review status: criteria provided, single submitter. Criteria: GeneDx Variant Classification Process June 2021. Collection method: clinical testing. Allele origin: germline. Affected: yes.
Comment: In vitro functional analysis demonstrated significantly diminished metolazone-sensitive sodium uptake levels in cells harboring this variant; immunocytochemical analysis revealed that the altered protein was predominantly localized to the cytoplasm rather than the plasma membrane as observed with the wild-type protein (De Jong et al., 2002); In silico analysis supports that this missense variant has a deleterious effect on protein structure/function; This variant is associated with the following publications: (PMID: 8528245, 18391953, 10988270, 9734597, 30201548, 23328711, 17329572, 21415153, 22009145, 26921350, 30596175, 31916727, 31980526, 30136149, 32939031, 31672324, 12039972, 27535533)

MGZ Medical Genetics Center
Classification: Pathogenic for Familial hypokalemia-hypomagnesemia. Last evaluated: 2021-10-26. Review status: criteria provided, single submitter. Criteria: ACMG Guidelines, 2015. Collection method: clinical testing. Allele origin: germline. Affected: yes. Observed: 1 variant allele.
Comment: ACMG criteria applied: PS4, PM3, PM2_SUP, PP1, PP2, PP3

Genome-Nilou Lab
Classification: Pathogenic for Familial hypokalemia-hypomagnesemia. Last evaluated: 2021-07-15. Review status: criteria provided, single submitter. Criteria: ACMG Guidelines, 2015. Collection method: clinical testing. Allele origin: germline. Affected: no.

Fulgent Genetics
Classification: Pathogenic for Familial hypokalemia-hypomagnesemia. Last evaluated: 2021-06-30. Review status: criteria provided, single submitter. Criteria: ACMG Guidelines, 2015. Collection method: clinical testing. Allele origin: unknown.
Comment: This variant has been detected in individual(s) who were sent for testing of Renasight - kidney gene panel.

Revvity Omics, Revvity
Classification: Pathogenic for Familial hypokalemia-hypomagnesemia. Last evaluated: 2021-02-12. Review status: criteria provided, single submitter. Criteria: ACMG Guidelines, 2015. Collection method: clinical testing. Allele origin: germline.

CeGaT Center for Human Genetics Tuebingen
Classification: Pathogenic. Last evaluated: 2019-06-01. Review status: criteria provided, single submitter. Criteria: CeGaT Center For Human Genetics Tuebingen Variant Classification Criteria Version 2. Collection method: clinical testing. Allele origin: germline. Affected: yes. Observed: 1 variant allele.

CENTOGENE GmbH and LLC - Guiding Precision Medicine
Classification: Pathogenic for Familial hypokalemia-hypomagnesemia. Last evaluated: 2018-12-06. Review status: criteria provided, single submitter. Criteria: ACMG Guidelines, 2015. Collection method: clinical testing. Allele origin: germline. Affected: yes.

Laboratory for Molecular Medicine, Mass General Brigham Personalized Medicine
Classification: Pathogenic for Inherited renal tubular disease. Last evaluated: 2017-09-07. Review status: criteria provided, single submitter. Criteria: ACMG Guidelines, 2015. Collection method: clinical testing. Allele origin: germline. Inheritance: Autosomal recessive inheritance. Study: CSER-MedSeq.
Comment: proposed classification - variant undergoing re-assessment, contact laboratory

Illumina Laboratory Services, Illumina
Classification: Pathogenic for Familial hypokalemia-hypomagnesemia. Last evaluated: 2017-04-28. Review status: criteria provided, single submitter. Criteria: ICSL Variant Classification Criteria 09 May 2019. Collection method: clinical testing. Allele origin: germline.
Comment: Across a selection of the available literature, the SLC12A3 c.2221G>A (p.Gly741Arg) missense variant has been reported in four patients with Gitelman syndrome in a homozygous state and in 79 patients in a compound heterozygous state (Simon et al. 1996; Vargas-Poussou et al. 2011; Glaudemans et al. 2012; Berry et al. 2013; Dongilli et al. 2016). Control data are not available for this variant which is reported at a frequency of 0.00063 in the European (non-Finnish) population of the Exome Aggregation Consortium. Functional studies in Xenopus oocytes demonstrated that the p.Gly741Arg variant resulted in no sodium ion uptake activity, showed intracellular localization rather than plasma membrane localization compared to wild type, and was not glycosylated (De Jong et al. 2002). Based on the collective evidence, the p.Gly741Arg variant is classified as pathogenic for Gitelman syndrome. This variant was observed by ICSL as part of a predisposition screen in an ostensibly healthy population.

Centre for Mendelian Genomics, University Medical Centre Ljubljana
Classification: Pathogenic for Hypermagnesemia; Hypokalemia; Muscle weakness; Myalgia. Last evaluated: 2017-01-01. Review status: criteria provided, single submitter. Criteria: ACMG Guidelines, 2015. Collection method: clinical testing. Allele origin: unknown. Affected: yes.

Rady Children's Institute for Genomic Medicine, Rady Children's Hospital San Diego
Classification: Pathogenic for GITELMAN SYNDROME. Review status: criteria provided, single submitter. Criteria: ACMG Guidelines, 2015. Collection method: clinical testing. Allele origin: germline. Affected: yes.
Comment: This variant has been previously reported as a compound heterozygous change in patients with Gitelman syndrome (PMID: 8528245, 17329572, 21415153, 22009145, 23328711, 32939031). Functional studies have shown that this change results in reduced sodium uptake (PMID: 12039972). The c.2221G>A (p.Gly741Arg) variant is present in the heterozygous state in the gnomAD population database at a frequency of 0.03685% (104/282254) and is absent in the homozygous state, thus it is presumed to be rare. The c.2221G>A (p.Gly741Arg) variant affects a highly conserved amino acid and is predicted by multiple in silico tools to have a deleterious effect on protein function. Based on the available evidence, the c.2221G>A (p.Gly741Arg) variant is classified as Pathogenic.

Gharavi Laboratory, Columbia University
Classification: Pathogenic. Last evaluated: 2018-09-16. Review status: no assertion criteria provided. Criteria: ACMG Guidelines, 2015. Collection method: research. Allele origin: germline. Affected: yes. Not counted in ClinVar's aggregate classification.

Sydney Genome Diagnostics, Children's Hospital Westmead
Classification: Pathogenic for Familial hypokalemia-hypomagnesemia; Bartter syndrome. Last evaluated: 2018-04-05. Review status: no assertion criteria provided. Collection method: clinical testing. Allele origin: unknown. Affected: yes. Observed: 1 variant allele, 1 compound heterozygote. Not counted in ClinVar's aggregate classification.
Comment: This variant has been widely reported in numerous patients with Gitelman syndrome in the literature (Vargas-Poussou et al 2011 J Am Soc Nephrol 22:693-703. This variant is considered to be pathogenic according to the ACMG guidelines.

Clinical Genetics DNA and cytogenetics Diagnostics Lab, Erasmus MC, Erasmus Medical Center
Classification: Pathogenic. Review status: no assertion criteria provided. Collection method: clinical testing. Allele origin: germline. Affected: yes. Study: VKGL Data-share Consensus. Not counted in ClinVar's aggregate classification.

Joint Genome Diagnostic Labs from Nijmegen and Maastricht, Radboudumc and MUMC+
Classification: Pathogenic. Review status: no assertion criteria provided. Collection method: clinical testing. Allele origin: germline. Affected: yes. Study: VKGL Data-share Consensus. Not counted in ClinVar's aggregate classification.

Literature cited by the submitters: PubMed 35591852 (cited by Victorian Clinical Genetics Services, Murdoch Childrens Research Institute); PubMed 29398133 (cited by Natera, Inc. and Women's Health and Genetics/Laboratory Corporation of America, LabCorp); PubMed 8528245 (cited by 8 submitters); PubMed 17329572 (cited by 5 submitters); PubMed 18391953 (cited by Labcorp Genetics (formerly Invitae), Labcorp and Dasa); PubMed 21415153 (cited by 7 submitters); PubMed 22009145 (cited by 7 submitters); PubMed 23328711 (cited by 5 submitters); PubMed 12039972 (cited by 7 submitters); PubMed 10988270 (cited by Mayo Clinic Laboratories, Mayo Clinic and Athena Diagnostics); PubMed 26921350 (cited by 4 submitters); PubMed 35628451 (cited by Mayo Clinic Laboratories, Mayo Clinic); PubMed 39521975 (cited by Mayo Clinic Laboratories, Mayo Clinic); PubMed 9734597 (cited by Mayo Clinic Laboratories, Mayo Clinic and Athena Diagnostics).